The following is an entry in ClinVar:

NM_001940.4(ATN1):c.2219C>T (p.Pro740Leu)

Gene: ATN1 (atrophin 1; plus strand). Cytogenetic location: 12p13.31.
Variant type: single nucleotide variant.
Coding change: c.2219C>T on transcript NM_001940.4 (MANE Select); coding-DNA position 2219, C replaced by T.
Protein change: p.Pro740Leu; replaces proline 740 with leucine.
Molecular consequence: missense variant.
Genome position (GRCh38, 1-based): chr12:6,937,486, C>T. VCF-style: chr12-6937486-C-T. GRCh37 (hg19) VCF-style: chr12-7046649-C-T.
Other names: c.2219C>T, p.Pro740Leu (NM_001007026.2, NM_001424176.1, NM_001424177.1 and 1 more transcripts); c.2216C>T, p.Pro739Leu (NM_001424179.1, NM_001424180.1); short protein forms P739L, P740L.
Identifiers: ClinVar variation 4689168 (VCV004689168.1).

ClinVar aggregate classification (germline): Uncertain significance (1 of 4 stars; one submission).

gnomAD v4.1: 3 of 1,545,870 alleles (0.00019%); highest among the groups gnomAD compares: South Asian, 0.0036%; no homozygotes.

Submission:

Women's Health and Genetics/Laboratory Corporation of America, LabCorp
Classification: Uncertain significance. Last evaluated: 2026-01-28. Review status: criteria provided, single submitter. Criteria: LabCorp Variant Classification Summary - May 2015. Collection method: clinical testing. Allele origin: germline.
Comment: Variant summary: ATN1 c.2219C>T (p.Pro740Leu) results in a non-conservative amino acid change in the encoded protein sequence. Algorithms developed to predict the effect of missense changes on protein structure and function are either unavailable or do not agree on the potential impact of this missense change. The variant was absent in 138818 control chromosomes. The available data on variant occurrences in the general population are insufficient to allow any conclusion about variant significance. To our knowledge, no occurrence of c.2219C>T in individuals affected with ATN1-related conditions and no experimental evidence demonstrating its impact on protein function have been reported. No submitters have cited clinical-significance assessments for this variant to ClinVar. Based on the evidence outlined above, the variant was classified as uncertain significance.